The following is an entry in ClinVar:

ClinVar aggregate classification (germline): Uncertain significance (1 of 4 stars; one submission).

Conditions:
SIM1-related disorder. Also called: SIM1-related disorders; SIM1-related condition.

gnomAD v4.1: 7 of 1,614,112 alleles (0.00043%); highest among the groups gnomAD compares: Non-Finnish European, 0.00059%; no homozygotes.

Submission:

PreventionGenetics, part of Exact Sciences
Classification: Uncertain significance for SIM1-related condition. Last evaluated: 2026-09-21. Review status: criteria provided, single submitter. Criteria: ACMG Guidelines, 2015. Collection method: clinical testing. Allele origin: germline.
Comment: The SIM1 c.1903C>A variant is predicted to result in the amino acid substitution p.Gln635Lys. To our knowledge, this variant has not been reported in the literature or in a large population database (gnomAD), indicating this variant is rare. At this time, the clinical significance of this variant is uncertain due to the absence of conclusive functional and genetic evidence.

NM_005068.3(SIM1):c.1903C>A (p.Gln635Lys)

Gene: SIM1 (SIM bHLH transcription factor 1; minus strand). Cytogenetic location: 6q16.3.
Variant type: single nucleotide variant.
Coding change: c.1903C>A on transcript NM_005068.3 (MANE Select); coding-DNA position 1903, C replaced by A.
Protein change: p.Gln635Lys; replaces glutamine 635 with lysine.
Molecular consequence: missense variant.
Genome position (GRCh38, 1-based): chr6:100,390,759, G>T on the plus strand (C>A on the coding strand, the complement: SIM1 is on the minus strand). VCF-style: chr6-100390759-G-T. GRCh37 (hg19) VCF-style: chr6-100838635-G-T.
Other names: c.1903C>A, p.Gln635Lys (NM_001374769.1); short protein forms Q635K.
Identifiers: ClinVar variation 4991586 (VCV004991586.1).